The following is an entry in ClinVar:

ClinVar aggregate classification (germline): Uncertain significance (1 of 4 stars; one submission).

Conditions:
FLNB-related disorder. Also called: FLNB-related condition; FLNB-related disorders. Identifiers: MedGen CN381095.

gnomAD v4.1: 1 of 1,614,064 alleles (0.000062%); highest among the groups gnomAD compares: Non-Finnish European, 0.000085%; no homozygotes.

Submission:

PreventionGenetics, part of Exact Sciences
Classification: Uncertain significance for FLNB-related condition. Last evaluated: 2025-10-10. Review status: criteria provided, single submitter. Criteria: ACMG Guidelines, 2015. Collection method: clinical testing. Allele origin: germline.
Comment: The FLNB c.5387A>G variant is predicted to result in the amino acid substitution p.His1796Arg. To our knowledge, this variant has not been reported in the literature. This variant is reported in 0.00088% of alleles in individuals of European (Non-Finnish) descent in gnomAD. At this time, the clinical significance of this variant is uncertain due to the absence of conclusive functional and genetic evidence.

NM_001457.4(FLNB):c.5387A>G (p.His1796Arg)

Gene: FLNB (filamin B; plus strand). Cytogenetic location: 3p14.3.
Variant type: single nucleotide variant.
Coding change: c.5387A>G on transcript NM_001457.4 (MANE Select); coding-DNA position 5387, A replaced by G.
Protein change: p.His1796Arg; replaces histidine 1796 with arginine.
Molecular consequence: missense variant.
Genome position (GRCh38, 1-based): chr3:58,143,575, A>G. VCF-style: chr3-58143575-A-G. GRCh37 (hg19) VCF-style: chr3-58129302-A-G.
Other names: c.5480A>G, p.His1827Arg (NM_001164317.2); c.5354A>G, p.His1785Arg (NM_001164318.2); c.5315A>G, p.His1772Arg (NM_001164319.2); short protein forms H1827R, H1772R, H1785R, H1796R.
Identifiers: ClinVar variation 4992323 (VCV004992323.1).